The following is an entry in ClinVar:

ClinVar aggregate classification (germline): Uncertain significance. Review status: criteria provided, multiple submitters, no conflicts (2 of 4 stars). 10 submissions from 10 submitters: Uncertain significance (10). Last evaluated 2025-11-20.

Conditions:
Breast-ovarian cancer, familial, susceptibility to, 1 (BROVCA1). Also called: BRCA1 Hereditary Breast and Ovarian Cancer; OVARIAN CANCER, SUSCEPTIBILITY TO. Identifiers: Orphanet 145, MedGen C2676676, MONDO:0011450, OMIM 604370. Disease mechanism: loss of function.
Pancreatic cancer, susceptibility to, 4. Identifiers: Orphanet 1333, MedGen C3280442, MONDO:0013685, OMIM 614320.
Fanconi anemia, complementation group S (FANCS). Identifiers: MedGen C4554406, MONDO:0054748, OMIM 617883.
Hereditary cancer-predisposing syndrome. Also called: Tumor predisposition; Hereditary neoplastic syndrome; Hereditary Cancer Syndrome; Neoplastic Syndromes, Hereditary. Identifiers: Orphanet 140162, MedGen C0027672, MeSH D009386, MONDO:0015356.
Hereditary breast ovarian cancer syndrome. Also called: Hereditary breast and/or ovarian cancer syndrome; Breast and ovarian cancer; Hereditary breast and ovarian cancer syndrome; Hereditary breast and ovarian cancer; Hereditary breast and ovarian cancer syndrome (HBOC); BRCA1- and BRCA2-Associated Hereditary Breast and Ovarian Cancer. Identifiers: Orphanet 145, MedGen C0677776, MeSH D061325, MONDO:0003582. Disease mechanism: loss of function.

gnomAD v4.1: 5 of 1,614,202 alleles (0.00031%); highest among the groups gnomAD compares: South Asian, 0.0044%; no homozygotes.

Submissions (10):

Labcorp Genetics (formerly Invitae), Labcorp
Classification: Uncertain significance for Hereditary breast ovarian cancer syndrome. Last evaluated: 2025-11-20. Review status: criteria provided, single submitter. Criteria: Invitae Variant Classification Sherloc (09022015). Collection method: clinical testing. Allele origin: germline.
Comment: This sequence change replaces threonine, which is neutral and polar, with asparagine, which is neutral and polar, at codon 1597 of the BRCA1 protein (p.Thr1597Asn). This variant is present in population databases (rs587781623, gnomAD 0.006%). This missense change has been observed in individual(s) with breast and/or ovarian cancer (PMID: 29470806). ClinVar contains an entry for this variant (Variation ID: 141272). Invitae Evidence Modeling of protein sequence and biophysical properties (such as structural, functional, and spatial information, amino acid conservation, physicochemical variation, residue mobility, and thermodynamic stability) indicates that this missense variant is not expected to disrupt BRCA1 protein function with a negative predictive value of 95%. In summary, the available evidence is currently insufficient to determine the role of this variant in disease. Therefore, it has been classified as a Variant of Uncertain Significance.

Ambry Genetics
Classification: Uncertain significance for Hereditary cancer-predisposing syndrome. Last evaluated: 2025-07-01. Review status: criteria provided, single submitter. Criteria: Ambry Variant Classification Scheme 2023. Collection method: clinical testing. Allele origin: germline.
Comment: The p.T1597N variant (also known as c.4790C>A), located in coding exon 14 of the BRCA1 gene, results from a C to A substitution at nucleotide position 4790. The threonine at codon 1597 is replaced by asparagine, an amino acid with similar properties. This variant was observed in a study of 1010 unrelated Indian patients with breast and/or ovarian cancer (Singh J et al. Breast Cancer Res Treat, 2018 Jul;170:189-196). This amino acid position is poorly conserved in available vertebrate species. In addition, the in silico prediction for this alteration is inconclusive. Since supporting evidence is limited at this time, the clinical significance of this alteration remains unclear.

Fulgent Genetics
Classification: Uncertain significance for Breast-ovarian cancer, familial, susceptibility to, 1; Pancreatic cancer, susceptibility to, 4; Fanconi anemia, complementation group S. Last evaluated: 2024-04-30. Review status: criteria provided, single submitter. Criteria: ACMG Guidelines, 2015. Collection method: clinical testing. Allele origin: germline.

All of Us Research Program, National Institutes of Health
Classification: Uncertain significance for Breast-ovarian cancer, familial, susceptibility to, 1. Last evaluated: 2023-12-18. Review status: criteria provided, single submitter. Criteria: ACMG Guidelines, 2015. Collection method: clinical testing. Allele origin: germline. Inheritance: Autosomal dominant inheritance. Observed: 1 variant allele, 1 heterozygote.
Comment: This missense variant replaces threonine with asparagine at codon 1597 of the BRCA1 protein. Computational prediction is inconclusive regarding the impact of this variant on protein structure and function. To our knowledge, functional studies have not been reported for this variant. This variant has been reported in an individual affected with breast and/or ovarian (PMID: 29470806) and it has been detected in a breast cancer case-control meta-analysis in 1/60466 cases and 0/53461 unaffected individuals (PMID: 33471991; Leiden Open Variation Database DB-ID BRCA1_006201). This variant has been identified in 3/251412 chromosomes in the general population by the Genome Aggregation Database (gnomAD). The available evidence is insufficient to determine the role of this variant in disease conclusively. Therefore, this variant is classified as a Variant of Uncertain Significance.

This study involves interpretation of variants in research participants for the purpose of population health screening. Participant phenotype was not available at the time of variant classification. Additional details can be found in publication PMID: 35346344, PMCID: PMC8962531

Color Diagnostics, LLC DBA Color Health
Classification: Uncertain significance for Hereditary cancer-predisposing syndrome. Last evaluated: 2023-11-29. Review status: criteria provided, single submitter. Criteria: ACMG Guidelines, 2015. Collection method: clinical testing. Allele origin: germline.
Comment: This missense variant replaces threonine with asparagine at codon 1597 of the BRCA1 protein. Computational prediction is inconclusive regarding the impact of this variant on protein structure and function. To our knowledge, functional studies have not been reported for this variant. This variant has been reported in an individual affected with breast and/or ovarian (PMID: 29470806) and it has been detected in a breast cancer case-control meta-analysis in 1/60466 cases and 0/53461 unaffected individuals (PMID: 33471991; Leiden Open Variation Database DB-ID BRCA1_006201). This variant has been identified in 3/251412 chromosomes in the general population by the Genome Aggregation Database (gnomAD). The available evidence is insufficient to determine the role of this variant in disease conclusively. Therefore, this variant is classified as a Variant of Uncertain Significance.

GeneDx
Classification: Uncertain significance. Last evaluated: 2023-10-09. Review status: criteria provided, single submitter. Criteria: GeneDx Variant Classification Process June 2021. Collection method: clinical testing. Allele origin: germline. Affected: yes.
Comment: Not observed at significant frequency in large population cohorts (gnomAD); In silico analysis supports that this missense variant does not alter protein structure/function; Observed in patients with breast and/or ovarian cancer reported in the literature (Singh et al., 2018, Dorling et al., 2021); Also known as 4909C>A; This variant is associated with the following publications: (PMID: 29470806, 9974970, 10220405, 11301010, 29884841, 32377563, 18844490, 33471991)

Neuberg Centre For Genomic Medicine, NCGM
Classification: Uncertain significance for Breast-ovarian cancer, familial, susceptibility to, 1. Last evaluated: 2023-07-22. Review status: criteria provided, single submitter. Criteria: ACMG Guidelines, 2015. Collection method: clinical testing. Allele origin: germline. Inheritance: Autosomal dominant inheritance. Affected: yes.
Comment: The observed missense c.4790C>Ap.Thr15 7Asn variant in BRCA1 gene has been reported in heterozygous state in individuals affected with breast and/or ovarian cancer Singh J, et al., 2018. The p.Thr1597Asn variant is present with allele frequency of 0.001% in gnomAD Exomes. This variant has been submitted to the ClinVar database as Uncertain Significance multiple submissions. Multiple lines of computational evidences Polyphen - Benign, SIFT Tolerated and MutationTaster - Polymorphism predict no damaging effect on protein structure and function for this variant. The reference amino acid of p.Thr1597Asn in BRCA1 is predicted as conserved by GERP++ and PhyloP across 100 vertebrates. The amino acid Thr at position 1597 is changed to a Asn changing protein sequence and it might alter its composition and physico-chemical properties. For these reasons, this variant has been classified as a Variant of Uncertain Significance VUS.

Women's Health and Genetics/Laboratory Corporation of America, LabCorp
Classification: Uncertain significance. Last evaluated: 2023-05-08. Review status: criteria provided, single submitter. Criteria: LabCorp Variant Classification Summary - May 2015. Collection method: clinical testing. Allele origin: germline.
Comment: Variant summary: BRCA1 c.4790C>A (p.Thr1597Asn) results in a non-conservative amino acid change in the encoded protein sequence. Four of five in-silico tools predict a benign effect of the variant on protein function. The variant allele was found at a frequency of 1.2e-05 in 251412 control chromosomes (gnomAD). The available data on variant occurrences in the general population are insufficient to allow any conclusion about variant significance. c.4790C>A has been reported in the literature in an individual affected with Breast/Ovarian cancer and the authors classified the variant as VUS (example: Sing_2018). This report does not provide unequivocal conclusions about association of the variant with Prostate Cancer. To our knowledge, no experimental evidence demonstrating an impact on protein function has been reported. The following publication has been ascertained in the context of this evaluation (PMID: 29470806). Five clinical diagnostic laboratories have submitted clinical-significance assessments for this variant to ClinVar after 2014 and all classified the variant as uncertain significance. Based on the evidence outlined above, the variant was classified as uncertain significance.

Sema4
Classification: Uncertain significance for Hereditary cancer-predisposing syndrome. Last evaluated: 2021-08-24. Review status: criteria provided, single submitter. Criteria: Sema4 Curation Guidelines. Collection method: curation. Allele origin: germline.
Comment: The BRCA1 c.4790C>A (p.T1597N) variant has been reported in heterozygosity in individuals with breast and/or ovarian cancer (PMID: 29470806, 33471991). It was observed in 2/30616 chromosomes of the South Asian subpopulation in the large and broad cohorts of the Genome Aggregation Database (PMID: 32461654). The variant has been reported in ClinVar (Variation ID 141272). Functional studies have not been performed, and in silico predictions of the variant's effect on protein function are inconclusive. The evidence is insufficient to meet ACMG/AMP criteria for classifying the variant as benign or pathogenic. Thus, the clinical significance of this variant is currently uncertain.

Revvity Omics, Revvity
Classification: Uncertain significance. Last evaluated: 2020-11-06. Review status: criteria provided, single submitter. Criteria: ACMG Guidelines, 2015. Collection method: clinical testing. Allele origin: germline.

Literature cited by the submitters: PubMed 29470806 (cited by 6 submitters); PubMed 33471991 (cited by 3 submitters).

NM_007294.4(BRCA1):c.4790C>A (p.Thr1597Asn)

Gene: BRCA1 (BRCA1 DNA repair associated; minus strand). Cytogenetic location: 17q21.31.
Variant type: single nucleotide variant.
Coding change: c.4790C>A on transcript NM_007294.4 (MANE Select); coding-DNA position 4790, C replaced by A.
Protein change: p.Thr1597Asn; replaces threonine 1597 with asparagine.
Molecular consequence: missense variant. On other transcripts: non-coding transcript variant (1).
Genome position (GRCh38, 1-based): chr17:43,071,124, G>T on the plus strand (C>A on the coding strand, the complement: BRCA1 is on the minus strand). VCF-style: chr17-43071124-G-T. GRCh37 (hg19) VCF-style: chr17-41223141-G-T.
Other names: c.4577C>A, p.Thr1526Asn (NM_001407571.1, NM_001407896.1, NM_001407897.1 and 12 more transcripts); c.4856C>A, p.Thr1619Asn (NM_001407581.1, NM_001407582.1); c.4853C>A, p.Thr1618Asn (NM_001407583.1, NM_001407585.1, NM_001407587.1 and 1 more transcripts); c.4850C>A, p.Thr1617Asn (NM_001407590.1, NM_001407591.1); c.4790C>A, p.Thr1597Asn (NM_001407593.1, NM_001407594.1, NM_001407596.1 and 8 more transcripts); c.4787C>A, p.Thr1596Asn (NM_001407610.1, NM_001407611.1, NM_001407612.1 and 17 more transcripts); c.4784C>A, p.Thr1595Asn (NM_001407627.1, NM_001407628.1, NM_001407629.1 and 14 more transcripts); c.4781C>A, p.Thr1594Asn (NM_001407645.1, NM_001407644.1); and 70 more; short protein forms T1597N, T1550N, T1618N, T493N, T1300N, T1468N, T1469N, T1549N.
Identifiers: ClinVar variation 141272 (VCV000141272.28), dbSNP rs587781623, ClinGen allele CA003024.
Genomic context (GRCh38, chr17:43,071,124, plus strand): 5'-GCAGCAGCTGGACTCTGGGCAGATTCTGCAACTTTCAATTGGGGAACTTTCAATGCAGAG[G>T]TTGAAGATGGTATGTTGCCAACACGAGCTGACTCTGGGGCTCTGTCTTCAGAAGGATCAG-3'
Protein context (NP_009225.1, residues 1587-1607): SARVGNIPSS[Thr1597Asn]SALKVPQLKV